The following is an entry in ClinVar:

ClinVar aggregate classification (germline): Pathogenic (1 of 4 stars; one submission).

Conditions:
Congenital myotonia, autosomal recessive form. Also called: BECKER DISEASE; Becker Generalized Myotonia; myotonia congenita, autosomal recessive. Identifiers: Orphanet 614, MedGen C0751360, MONDO:0009715, OMIM 255700.
Congenital myotonia, autosomal dominant form (THD). Also called: THOMSEN DISEASE; Myotonia congenita autosomal dominant. Identifiers: Orphanet 614, MedGen C2936781, MONDO:0008055, OMIM 160800.

Submission:

Labcorp Genetics (formerly Invitae), Labcorp
Classification: Pathogenic for Congenital myotonia, autosomal recessive form; Congenital myotonia, autosomal dominant form. Last evaluated: 2022-01-04. Review status: criteria provided, single submitter. Criteria: Invitae Variant Classification Sherloc (09022015). Collection method: clinical testing. Allele origin: germline.
Comment: For these reasons, this variant has been classified as Pathogenic. This variant has not been reported in the literature in individuals affected with CLCN1-related conditions. This variant is not present in population databases (gnomAD no frequency). This sequence change creates a premature translational stop signal (p.Ala145Glyfs*114) in the CLCN1 gene. It is expected to result in an absent or disrupted protein product. Loss-of-function variants in CLCN1 are known to be pathogenic (PMID: 17932099, 22094069, 23739125).

Literature cited by the submitters: PubMed 17932099; PubMed 22094069; PubMed 23739125.

NM_000083.3(CLCN1):c.431dup (p.Ala145fs)

Gene: CLCN1 (chloride voltage-gated channel 1; plus strand). Cytogenetic location: 7q34.
Variant type: Duplication.
Coding change: c.431dup on transcript NM_000083.3 (MANE Select); coding-DNA position 431, one base duplicated (A; older notation c.431dupA).
Protein change: p.Ala145fs; shifts the reading frame from alanine 145.
Molecular consequence: frameshift variant. On other transcripts: non-coding transcript variant (1).
Genome position (GRCh38, 1-based): chr7:143,320,793, A duplicated. VCF-style (leftmost placement, unchanged base first): chr7-143320792-C-CA. GRCh37 (hg19) VCF-style: chr7-143017885-C-CA.
Other names: short protein forms A145fs.
Identifiers: ClinVar variation 2073609 (VCV002073609.4), dbSNP rs2487030075, ClinGen allele CA2580077625.
Genomic context (GRCh38, chr7:143,320,792, plus strand): 5'-CTGGGACTGCTGATGGCTCTGGTCAGCTGGAGCATGGACTACGTCAGTGCCAAAAGCCTT[C>CA]AGGGTAGGTTTAACCTGGACCTTTGCCCACAGCCGTTTCTGGAGTTTCTACCTAGGGTAA-3'